The following is an entry in ClinVar:

ClinVar aggregate classification (germline): Uncertain significance (1 of 4 stars; one submission).

Allele frequency attached by ClinVar (database versions not stated): gnomAD 0.00007 and 0.00008; TOPMed 0.00008; gnomAD exomes 0.00012; ExAC 0.00017.
gnomAD v4.1: 80 of 1,549,510 alleles (0.0052%); highest among the groups gnomAD compares: Admixed American, 0.0059%; no homozygotes.

Submission:

GeneDx
Classification: Uncertain significance. Last evaluated: 2026-04-06. Review status: criteria provided, single submitter. Criteria: GeneDx Variant Classification Process June 2021. Collection method: clinical testing. Allele origin: germline.
Comment: In silico analysis indicates that this missense variant does not alter protein structure/function; Has not been previously published as pathogenic or benign to our knowledge

NM_020041.3(SLC2A9):c.247C>A (p.Pro83Thr)

Genes: SLC2A9 (solute carrier family 2 member 9; minus strand), SLC2A9-AS3 (SLC2A9 antisense RNA 3; plus strand). Cytogenetic location: 4p16.1.
Variant type: single nucleotide variant.
Coding change: c.247C>A on transcript NM_020041.3 (MANE Select); coding-DNA position 247, C replaced by A.
Protein change: p.Pro83Thr; replaces proline 83 with threonine.
Molecular consequence: missense variant.
Genome position (GRCh38, 1-based): chr4:10,018,977, G>T on the plus strand (C>A on the coding strand, the complement: SLC2A9 is on the minus strand). VCF-style: chr4-10018977-G-T. GRCh37 (hg19) VCF-style: chr4-10020601-G-T.
Other names: c.160C>A, p.Pro54Thr (NM_001001290.2); short protein forms P54T, P83T.
Identifiers: ClinVar variation 347003 (VCV000347003.7), dbSNP rs776421301, ClinGen allele CA2857316.
Genomic context (GRCh38, chr4:10,018,977, plus strand): 5'-CACCCGAAGGTTTCCGCAGGGCCGCAGCGCCCTCTGCCGGGCCTTGGCGCGCACTCACCG[G>T]GGTGGGGGCATTCACCACCGACAGGTTGTAGCCGTAGAGGAAGGAGGAGCCGAAGGCGCC-3'
Protein context (NP_064425.2, residues 73-93): YNLSVVNAPT[Pro83Thr]YIKAFYNESW